The following is an entry in ClinVar:

NM_000428.3(LTBP2):c.4445T>C (p.Met1482Thr)

Gene: LTBP2 (latent transforming growth factor beta binding protein 2; minus strand). Cytogenetic location: 14q24.3.
Variant type: single nucleotide variant.
Coding change: c.4445T>C on transcript NM_000428.3 (MANE Select); coding-DNA position 4445, T replaced by C.
Protein change: p.Met1482Thr; replaces methionine 1482 with threonine.
Molecular consequence: missense variant.
Genome position (GRCh38, 1-based): chr14:74,504,786, A>G on the plus strand (T>C on the coding strand, the complement: LTBP2 is on the minus strand). VCF-style: chr14-74504786-A-G. GRCh37 (hg19) VCF-style: chr14-74971489-A-G.
Other names: c.4445T>C (NM_000428.2); short protein forms M1482T.
Identifiers: ClinVar variation 2149514 (VCV002149514.3), dbSNP rs1206472219, ClinGen allele CA390385598.

ClinVar aggregate classification (germline): Conflicting classifications of pathogenicity. Review status: criteria provided, conflicting classifications (1 of 4 stars). 2 submissions from 2 submitters: Uncertain significance (1); Likely benign (1). Last evaluated 2023-08-28.

Conditions:
Inborn genetic diseases. Identifiers: MedGen C0950123, MeSH D030342.

Allele frequency attached by ClinVar (database versions not stated): gnomAD 0.00001; gnomAD exomes 0.00001.

Submissions (2):

Ambry Genetics
Classification: Likely benign for Inborn genetic diseases. Last evaluated: 2023-08-28. Review status: criteria provided, single submitter. Criteria: Ambry Variant Classification Scheme 2023. Collection method: clinical testing. Allele origin: germline.

Labcorp Genetics (formerly Invitae), Labcorp
Classification: Uncertain significance. Last evaluated: 2022-08-02. Review status: criteria provided, single submitter. Criteria: Invitae Variant Classification Sherloc (09022015). Collection method: clinical testing. Allele origin: germline.
Comment: This sequence change replaces methionine, which is neutral and non-polar, with threonine, which is neutral and polar, at codon 1482 of the LTBP2 protein (p.Met1482Thr). This variant is present in population databases (no rsID available, gnomAD 0.007%). This variant has not been reported in the literature in individuals affected with LTBP2-related conditions. Algorithms developed to predict the effect of missense changes on protein structure and function output the following: SIFT: "Tolerated"; PolyPhen-2: "Benign"; Align-GVGD: "Class C0". The threonine amino acid residue is found in multiple mammalian species, which suggests that this missense change does not adversely affect protein function. In summary, the available evidence is currently insufficient to determine the role of this variant in disease. Therefore, it has been classified as a Variant of Uncertain Significance.